The following is an entry in ClinVar:

ClinVar aggregate classification (germline): Benign. Review status: criteria provided, multiple submitters, no conflicts (2 of 4 stars). 4 submissions from 4 submitters: Benign (3). 1 of the submissions does not count toward it. Last evaluated 2026-02-03.

Allele frequency attached by ClinVar (database versions not stated): ESP Exome Variant Server 0.21606; 1000 Genomes Project 0.22125; 1000 Genomes Project 30x 0.22361; TOPMed 0.23950; gnomAD 0.24413 and 0.24519; gnomAD exomes 0.27100 and 0.27141; ExAC 0.30272.
gnomAD v4.1: 412,318 of 1,539,108 alleles (27%); highest among the groups gnomAD compares: East Asian, 32%; 57,643 homozygotes.

Submissions (4):

Labcorp Genetics (formerly Invitae), Labcorp
Classification: Benign. Last evaluated: 2026-02-03. Review status: criteria provided, single submitter. Criteria: Invitae Variant Classification Sherloc (09022015). Collection method: clinical testing. Allele origin: germline.

GeneDx
Classification: Benign. Last evaluated: 2015-12-02. Review status: criteria provided, single submitter. Criteria: GeneDx Variant Classification (06012015). Collection method: clinical testing. Allele origin: germline. Affected: yes.
Comment: This variant is considered likely benign or benign based on one or more of the following criteria: it is a conservative change, it occurs at a poorly conserved position in the protein, it is predicted to be benign by multiple in silico algorithms, and/or has population frequency not consistent with disease.

Breakthrough Genomics
Classification: Benign. Review status: criteria provided, single submitter. Criteria: ACMG Guidelines, 2015. Collection method: not provided. Allele origin: germline. Inheritance: Autosomal recessive inheritance. Affected: yes.

Mayo Clinic Laboratories, Mayo Clinic
Classification: Benign. Last evaluated: 2016-02-11. Review status: no assertion criteria provided. Collection method: clinical testing. Allele origin: unknown. Not counted in ClinVar's aggregate classification.

NM_001370595.2(COA8):c.111G>A (p.Thr37=)

Gene: COA8 (cytochrome c oxidase assembly factor 8; plus strand). Cytogenetic location: 14q32.33.
Variant type: single nucleotide variant.
Coding change: c.111G>A on transcript NM_001370595.2 (MANE Select); coding-DNA position 111, G replaced by A.
Protein change: p.Thr37=; no amino-acid change (threonine 37 retained).
Molecular consequence: synonymous variant. On other transcripts: non-coding transcript variant (2).
Genome position (GRCh38, 1-based): chr14:103,563,112, G>A. VCF-style: chr14-103563112-G-A. GRCh37 (hg19) VCF-style: chr14-104029449-G-A.
Other names: c.150G>A (NM_032374.4); c.111G>A, p.Thr37= (NM_001302653.2, NM_001302654.2).
Identifiers: ClinVar variation 379943 (VCV000379943.14), dbSNP rs2274267, ClinGen allele CA7365419.